The following is an entry in ClinVar:

NM_000016.6(ACADM):c.27C>A (p.Cys9Ter)

Gene: ACADM (acyl-CoA dehydrogenase medium chain; plus strand). Cytogenetic location: 1p31.1.
Variant type: single nucleotide variant.
Coding change: c.27C>A on transcript NM_000016.6 (MANE Select); coding-DNA position 27, C replaced by A.
Protein change: p.Cys9Ter; replaces cysteine 9 with a stop codon.
Molecular consequence: nonsense. On other transcripts: missense variant (1), 5 prime UTR variant (1).
Genome position (GRCh38, 1-based): chr1:75,724,814, C>A. VCF-style: chr1-75724814-C-A. GRCh37 (hg19) VCF-style: chr1-76190499-C-A.
Other names: c.27C>A, p.Cys9Ter (NM_001127328.3, NM_001286043.2); c.7C>A, p.Gln3Lys (NM_001286042.2); c.-271C>A (NM_001286044.2); short protein forms C9*, Q3K.
Identifiers: ClinVar variation 4818270 (VCV004818270.3).

ClinVar aggregate classification (germline): Likely pathogenic. Review status: criteria provided, multiple submitters, no conflicts (2 of 4 stars). 2 submissions from 2 submitters: Likely pathogenic (2). Last evaluated 2025-07-09.

Conditions:
Medium-chain acyl-coenzyme A dehydrogenase deficiency (ACADMD). Also called: MCADD; Medium chain acyl-CoA dehydrogenase deficiency; ACADM DEFICIENCY; CARNITINE DEFICIENCY SECONDARY TO MEDIUM-CHAIN ACYL-CoA DEHYDROGENASE DEFICIENCY; MCADH DEFICIENCY; MCAD Deficiency. Identifiers: Orphanet 42, MedGen C0220710, MONDO:0008721, OMIM 201450.

Submissions (2):

Natera, Inc.
Classification: Likely pathogenic for Medium Chain Acyl-CoA Dehydrogenase Deficiency. Last evaluated: 2025-07-09. Review status: criteria provided, single submitter. Criteria: Natera Variant Classification Schema (03/2026). Collection method: clinical testing. Allele origin: germline.
Comment: The c.27C>A variant in ACADM is a nonsense variant predicted to introduce a stop codon at amino acid 9. This variant is expected to result in nonsense mediated decay, truncation, or a dysfunctional protein product. This variant is rare in the general population with a frequency below the threshold expected for the associated phenotype(s). Given the available evidence, this variant is classified as Likely Pathogenic.

Juno Genomics, Hangzhou Juno Genomics, Inc
Classification: Likely pathogenic for Medium-chain acyl-coenzyme A dehydrogenase deficiency. Review status: criteria provided, single submitter. Criteria: ACMG Guidelines, 2015. Collection method: clinical testing. Allele origin: germline.
Comment: Null variant in a gene where loss of function (LOF) is a known mechanism of disease.;Absent from controls (or at extremely low frequency if recessive) in Genome Aggregation Database.